The following is an entry in ClinVar:

ClinVar aggregate classification (germline): Pathogenic/Likely pathogenic. Review status: criteria provided, multiple submitters, no conflicts (2 of 4 stars). 2 submissions from 2 submitters: Pathogenic (1); Likely pathogenic (1). Last evaluated 2023-05-12.

Conditions:
Intellectual developmental disorder, autosomal dominant 1. Also called: Intellectual disability, autosomal dominant 1; MBD5 Haploinsufficiency. Identifiers: Orphanet 228402, MedGen C1969562, MONDO:0007974, OMIM 156200.

Submissions (2):

Labcorp Genetics (formerly Invitae), Labcorp
Classification: Pathogenic for Intellectual developmental disorder, autosomal dominant 1. Last evaluated: 2023-05-12. Review status: criteria provided, single submitter. Criteria: Invitae Variant Classification Sherloc (09022015). Collection method: clinical testing. Allele origin: germline.
Comment: For these reasons, this variant has been classified as Pathogenic. ClinVar contains an entry for this variant (Variation ID: 1709796). This variant has not been reported in the literature in individuals affected with MBD5-related conditions. This variant is not present in population databases (gnomAD no frequency). This sequence change creates a premature translational stop signal (p.Trp25*) in the MBD5 gene. It is expected to result in an absent or disrupted protein product. Loss-of-function variants in MBD5 are known to be pathogenic (PMID: 23422940, 23587880).

MGZ Medical Genetics Center
Classification: Likely pathogenic for Intellectual developmental disorder, autosomal dominant 1. Last evaluated: 2021-07-02. Review status: criteria provided, single submitter. Criteria: ACMG Guidelines, 2015. Collection method: clinical testing. Allele origin: germline. Affected: yes. Observed: 1 variant allele.
Comment: ACMG criteria applied: PVS1, PM2_SUP

Literature cited by the submitters: PubMed 23422940 (cited by Labcorp Genetics (formerly Invitae), Labcorp); PubMed 23587880 (cited by Labcorp Genetics (formerly Invitae), Labcorp).

NM_001378120.1(MBD5):c.74G>A (p.Trp25Ter)

Gene: MBD5 (methyl-CpG binding domain protein 5; plus strand). Cytogenetic location: 2q23.1.
Variant type: single nucleotide variant.
Coding change: c.74G>A on transcript NM_001378120.1 (MANE Select); coding-DNA position 74, G replaced by A.
Protein change: p.Trp25Ter; replaces tryptophan 25 with a stop codon.
Molecular consequence: nonsense.
Genome position (GRCh38, 1-based): chr2:148,458,832, G>A. VCF-style: chr2-148458832-G-A. GRCh37 (hg19) VCF-style: chr2-149216401-G-A.
Other names: c.74G>A, p.Trp25Ter (NM_018328.5); short protein forms W25*.
Identifiers: ClinVar variation 1709796 (VCV001709796.5), dbSNP rs2469778064, ClinGen allele CA348715567.